The following is an entry in ClinVar:

ClinVar aggregate classification (germline): Conflicting classifications of pathogenicity. Review status: criteria provided, conflicting classifications (1 of 4 stars). 2 submissions from 2 submitters: Likely pathogenic (1); Uncertain significance (1). Last evaluated 2025-12-29.

Conditions:
RNASEH2B-related disorder. Also called: RNASEH2B-related condition.

Allele frequency attached by ClinVar (database versions not stated): TOPMed below 0.00001; gnomAD 0.00001.

Submissions (2):

PreventionGenetics, part of Exact Sciences
Classification: Uncertain significance for RNASEH2B-related condition. Last evaluated: 2025-12-29. Review status: criteria provided, single submitter. Criteria: ACMG Guidelines, 2015. Collection method: clinical testing. Allele origin: germline.
Comment: The RNASEH2B c.649T>C variant is predicted to result in the amino acid substitution p.Ser217Pro. This variant has been reported in an individual with hemophagocytic lymphohistiocytosis (Gowin et al. 2025. PubMed ID: 41272719) and in an individual with ovarian cancer (Polaczek et al. 2020. PubMed ID: 33353557). This variant has not been reported in a large population database (gnomAD), indicating it is rare. Although we suspect that this variant may be pathogenic, at this time, the clinical significance of this variant is uncertain due to the absence of conclusive functional and genetic evidence.

GeneDx
Classification: Likely pathogenic. Last evaluated: 2017-10-24. Review status: criteria provided, single submitter. Criteria: GeneDx Variant Classification (06012015). Collection method: clinical testing. Allele origin: germline. Affected: yes.
Comment: The S217P variant in the RNASEH2B gene has not been reported previously as a pathogenic variant, nor as a benign variant, to our knowledge. The S217P variant is not observed in large population cohorts (Lek et al., 2016). The S217P variant is a non-conservative amino acid substitution, which is likely to impact secondary protein structure as these residues differ in polarity, charge, size and/or other properties. This substitution occurs at a position where amino acids with similar properties to Serine are tolerated across species. In silico analysis predicts this variant is probably damaging to the protein structure/function. We interpret S217P as a likely pathogenic variant.

NM_024570.4(RNASEH2B):c.649T>C (p.Ser217Pro)

Gene: RNASEH2B (ribonuclease H2 subunit B; plus strand). Cytogenetic location: 13q14.3.
Variant type: single nucleotide variant.
Coding change: c.649T>C on transcript NM_024570.4 (MANE Select); coding-DNA position 649, T replaced by C.
Protein change: p.Ser217Pro; replaces serine 217 with proline.
Molecular consequence: missense variant.
Genome position (GRCh38, 1-based): chr13:50,948,019, T>C. VCF-style: chr13-50948019-T-C. GRCh37 (hg19) VCF-style: chr13-51522155-T-C.
Other names: c.649T>C, p.Ser217Pro (NM_001142279.2); short protein forms S217P.
Identifiers: ClinVar variation 452949 (VCV000452949.3), dbSNP rs778933609, ClinGen allele CA249998463.